The following is an entry in ClinVar:

ClinVar aggregate classification (germline): Uncertain significance (1 of 4 stars; one submission).

Conditions:
Fanconi anemia (FA). Also called: Fanconi's anemia. Identifiers: Orphanet 84, MedGen C0015625, MeSH D005199, MONDO:0019391.

Submission:

Labcorp Genetics (formerly Invitae), Labcorp
Classification: Uncertain significance for Fanconi anemia. Last evaluated: 2023-06-05. Review status: criteria provided, single submitter. Criteria: Invitae Variant Classification Sherloc (09022015). Collection method: clinical testing. Allele origin: germline.
Comment: This sequence change replaces asparagine, which is neutral and polar, with lysine, which is basic and polar, at codon 1575 of the FANCM protein (p.Asn1575Lys). This variant is not present in population databases (gnomAD no frequency). This variant has not been reported in the literature in individuals affected with FANCM-related conditions. ClinVar contains an entry for this variant (Variation ID: 2089971). An algorithm developed to predict the effect of missense changes on protein structure and function (PolyPhen-2) suggests that this variant is likely to be tolerated. In summary, the available evidence is currently insufficient to determine the role of this variant in disease. Therefore, it has been classified as a Variant of Uncertain Significance.

NM_020937.4(FANCM):c.4725C>G (p.Asn1575Lys)

Gene: FANCM (FA complementation group M; plus strand). Cytogenetic location: 14q21.2.
Variant type: single nucleotide variant.
Coding change: c.4725C>G on transcript NM_020937.4 (MANE Select); coding-DNA position 4725, C replaced by G.
Protein change: p.Asn1575Lys; replaces asparagine 1575 with lysine.
Molecular consequence: missense variant.
Genome position (GRCh38, 1-based): chr14:45,187,833, C>G. VCF-style: chr14-45187833-C-G. GRCh37 (hg19) VCF-style: chr14-45657036-C-G.
Other names: c.4647C>G, p.Asn1549Lys (NM_001308133.2); short protein forms N1575K, N1549K.
Identifiers: ClinVar variation 2089971 (VCV002089971.4), dbSNP rs2503238523, ClinGen allele CA389609973.
Genomic context (GRCh38, chr14:45,187,833, plus strand): 5'-TTACACAGATTCTGAAATGAGAGCTATTTACATGAAATCTTTGCGTAGTCCAATGATGAA[C>G]AATAAGTACAAAATGATTCATAAGACACATAAAAACATAAACATTTTCTCGCAGGTATGA-3'
Protein context (NP_065988.1, residues 1565-1585): YMKSLRSPMM[Asn1575Lys]NKYKMIHKTH